The following is an entry in ClinVar:

NM_001999.4(FBN2):c.7460C>T (p.Thr2487Ile)

Gene: FBN2 (fibrillin 2; minus strand). Cytogenetic location: 5q23.3.
Variant type: single nucleotide variant.
Coding change: c.7460C>T on transcript NM_001999.4 (MANE Select); coding-DNA position 7460, C replaced by T.
Protein change: p.Thr2487Ile; replaces threonine 2487 with isoleucine.
Molecular consequence: missense variant.
Genome position (GRCh38, 1-based): chr5:128,277,891, G>A on the plus strand (C>T on the coding strand, the complement: FBN2 is on the minus strand). VCF-style: chr5-128277891-G-A. GRCh37 (hg19) VCF-style: chr5-127613583-G-A.
Other names: short protein forms T2487I.
Identifiers: ClinVar variation 2988659 (VCV002988659.3), dbSNP rs2479649034, ClinGen allele CA360754260.

ClinVar aggregate classification (germline): Uncertain significance (1 of 4 stars; one submission).

Conditions:
Congenital contractural arachnodactyly (CCA). Also called: BEALS SYNDROME; Arthrogryposis, distal, type 9; Beals-Hecht syndrome. Identifiers: Orphanet 115, MedGen C0220668, MONDO:0007363, OMIM 121050.

gnomAD v4.1: 6 of 1,614,106 alleles (0.00037%); highest among the groups gnomAD compares: Non-Finnish European, 0.00051%; no homozygotes.

Submission:

Labcorp Genetics (formerly Invitae), Labcorp
Classification: Uncertain significance for Congenital contractural arachnodactyly. Last evaluated: 2025-04-23. Review status: criteria provided, single submitter. Criteria: Invitae Variant Classification Sherloc (09022015). Collection method: clinical testing. Allele origin: germline.
Comment: This sequence change replaces threonine, which is neutral and polar, with isoleucine, which is neutral and non-polar, at codon 2487 of the FBN2 protein (p.Thr2487Ile). This variant is not present in population databases (gnomAD no frequency). This variant has not been reported in the literature in individuals affected with FBN2-related conditions. ClinVar contains an entry for this variant (Variation ID: 2988659). Invitae Evidence Modeling of protein sequence and biophysical properties (such as structural, functional, and spatial information, amino acid conservation, physicochemical variation, residue mobility, and thermodynamic stability) has been performed for this missense variant. However, the output from this modeling did not meet the statistical confidence thresholds required to predict the impact of this variant on FBN2 protein function. In summary, the available evidence is currently insufficient to determine the role of this variant in disease. Therefore, it has been classified as a Variant of Uncertain Significance.